The following is an entry in ClinVar:

ClinVar aggregate classification (germline): Uncertain significance. Review status: criteria provided, multiple submitters, no conflicts (2 of 4 stars). 2 submissions from 2 submitters: Uncertain significance (2). Last evaluated 2024-03-13.

Conditions:
Inborn genetic diseases. Identifiers: MedGen C0950123, MeSH D030342.
Charcot-Marie-Tooth disease dominant intermediate B (CMTDIB). Also called: CHARCOT-MARIE-TOOTH NEUROPATHY, DOMINANT INTERMEDIATE B; Charcot-Marie-Tooth disease dominant intermediate 1; CMT DI1; Charcot-Marie-Tooth disease dominant intermediate I. Identifiers: Orphanet 100044, Orphanet 228179, MedGen C1847902, MONDO:0011674, OMIM 606482.

Submissions (2):

Labcorp Genetics (formerly Invitae), Labcorp
Classification: Uncertain significance for Charcot-Marie-Tooth disease dominant intermediate B. Last evaluated: 2024-03-13. Review status: criteria provided, single submitter. Criteria: Invitae Variant Classification Sherloc (09022015). Collection method: clinical testing. Allele origin: germline.
Comment: This sequence change replaces alanine, which is neutral and non-polar, with threonine, which is neutral and polar, at codon 511 of the DNM2 protein (p.Ala511Thr). This variant is not present in population databases (gnomAD no frequency). This variant has not been reported in the literature in individuals affected with DNM2-related conditions. Advanced modeling of protein sequence and biophysical properties (such as structural, functional, and spatial information, amino acid conservation, physicochemical variation, residue mobility, and thermodynamic stability) has been performed at Invitae for this missense variant, however the output from this modeling did not meet the statistical confidence thresholds required to predict the impact of this variant on DNM2 protein function. In summary, the available evidence is currently insufficient to determine the role of this variant in disease. Therefore, it has been classified as a Variant of Uncertain Significance.

Ambry Genetics
Classification: Uncertain significance for Inborn genetic diseases. Last evaluated: 2024-01-04. Review status: criteria provided, single submitter. Criteria: Ambry Variant Classification Scheme 2023. Collection method: clinical testing. Allele origin: germline.

NM_001005361.3(DNM2):c.1531G>A (p.Ala511Thr)

Gene: DNM2 (dynamin 2; plus strand). Cytogenetic location: 19p13.2.
Variant type: single nucleotide variant.
Coding change: c.1531G>A on transcript NM_001005361.3 (MANE Select); coding-DNA position 1531, G replaced by A.
Protein change: p.Ala511Thr; replaces alanine 511 with threonine.
Molecular consequence: missense variant.
Genome position (GRCh38, 1-based): chr19:10,805,953, G>A. VCF-style: chr19-10805953-G-A. GRCh37 (hg19) VCF-style: chr19-10916629-G-A.
Other names: c.1531G>A, p.Ala511Thr (NM_001005360.3, NM_001005362.3, NM_001190716.2 and 1 more transcripts); short protein forms A511T.
Identifiers: ClinVar variation 3084769 (VCV003084769.3), dbSNP rs2513281298, ClinGen allele CA404038814.